The following is an entry in ClinVar:

ClinVar aggregate classification (germline): Likely benign. Review status: criteria provided, multiple submitters, no conflicts (2 of 4 stars). 3 submissions from 3 submitters: Likely benign (3). Last evaluated 2026-08-03.

Conditions:
COL18A1-related disorder. Also called: COL18A1-related condition; COL18A1-related disorders.

Allele frequency attached by ClinVar (database versions not stated): ESP Exome Variant Server 0.00008.
gnomAD v4.1: 51 of 1,611,666 alleles (0.0032%); highest among the groups gnomAD compares: Admixed American, 0.01%; no homozygotes.

Submissions (3):

PreventionGenetics, part of Exact Sciences
Classification: Likely benign for COL18A1-related condition. Last evaluated: 2026-08-03. Review status: criteria provided, single submitter. Criteria: ACMG Guidelines, 2015. Collection method: clinical testing. Allele origin: germline.
Comment: This variant is classified as likely benign based on ACMG/AMP sequence variant interpretation guidelines (Richards et al. 2015 PMID: 25741868, with internal and published modifications).

Labcorp Genetics (formerly Invitae), Labcorp
Classification: Likely benign. Last evaluated: 2025-07-30. Review status: criteria provided, single submitter. Criteria: Invitae Variant Classification Sherloc (09022015). Collection method: clinical testing. Allele origin: germline.

Breakthrough Genomics
Classification: Likely benign. Review status: criteria provided, single submitter. Criteria: ACMG Guidelines, 2015. Collection method: not provided. Allele origin: germline. Inheritance: Autosomal recessive inheritance. Affected: yes.

NM_001379500.1(COL18A1):c.3900G>A (p.Ser1300=)

Genes: SLC19A1 (solute carrier family 19 member 1; minus strand), COL18A1 (collagen type XVIII alpha 1 chain; plus strand). Cytogenetic location: 21q22.3.
Variant type: single nucleotide variant.
Coding change: c.3900G>A on transcript NM_001379500.1 (MANE Select); coding-DNA position 3900, G replaced by A.
Protein change: p.Ser1300=; no amino-acid change (serine 1300 retained).
Molecular consequence: synonymous variant.
Genome position (GRCh38, 1-based): chr21:45,512,278, G>A. VCF-style: chr21-45512278-G-A. GRCh37 (hg19) VCF-style: chr21-46932192-G-A.
Other names: c.4431G>A (NM_030582.3); c.4431G>A, p.Ser1477= (NM_030582.4); c.5136G>A, p.Ser1712= (NM_130444.3).
Identifiers: ClinVar variation 1580153 (VCV001580153.9), dbSNP rs375390952, ClinGen allele CA10068127.